The following is an entry in ClinVar:

ClinVar aggregate classification (germline): Pathogenic (1 of 4 stars; one submission).

Submission:

Labcorp Genetics (formerly Invitae), Labcorp
Classification: Pathogenic. Last evaluated: 2023-07-17. Review status: criteria provided, single submitter. Criteria: Invitae Variant Classification Sherloc (09022015). Collection method: clinical testing. Allele origin: germline.
Comment: Advanced modeling of protein sequence and biophysical properties (such as structural, functional, and spatial information, amino acid conservation, physicochemical variation, residue mobility, and thermodynamic stability) performed at Invitae indicates that this missense variant is expected to disrupt COMP protein function. For these reasons, this variant has been classified as Pathogenic. This variant disrupts the p.Asp518 amino acid residue in COMP. Other variant(s) that disrupt this residue have been observed in individuals with COMP-related conditions (PMID: 9921895, 10405447, 23506586), which suggests that this may be a clinically significant amino acid residue. ClinVar contains an entry for this variant (Variation ID: 1360065). This missense change has been observed in individuals with pseudoachondroplasia (PMID: 15756302; Invitae). This variant is not present in population databases (gnomAD no frequency). This sequence change replaces aspartic acid, which is acidic and polar, with glycine, which is neutral and non-polar, at codon 518 of the COMP protein (p.Asp518Gly).

Literature cited by the submitters: PubMed 9921895; PubMed 10405447; PubMed 23506586; PubMed 15756302.

NM_000095.3(COMP):c.1553A>G (p.Asp518Gly)

Gene: COMP (cartilage oligomeric matrix protein; minus strand). Cytogenetic location: 19p13.11.
Variant type: single nucleotide variant.
Coding change: c.1553A>G on transcript NM_000095.3 (MANE Select); coding-DNA position 1553, A replaced by G.
Protein change: p.Asp518Gly; replaces aspartic acid 518 with glycine.
Molecular consequence: missense variant.
Genome position (GRCh38, 1-based): chr19:18,785,788, T>C on the plus strand (A>G on the coding strand, the complement: COMP is on the minus strand). VCF-style: chr19-18785788-T-C. GRCh37 (hg19) VCF-style: chr19-18896598-T-C.
Other names: short protein forms D518G.
Identifiers: ClinVar variation 1360065 (VCV001360065.6), dbSNP rs2145900469, ClinGen allele CA404883276.
Genomic context (GRCh38, chr19:18,785,788, plus strand): 5'-ACGACTGTCTGGAAGGCCCTGAAGTCGGTGAGCGTGACTTCAGCGTTCTCCGGACACACG[T>C]CGATCTTGTCTACCACCTTGTCTGCATCAAAGTCGTCCTGGCACACGTCGCCCACGCCGT-3'
Protein context (NP_000086.2, residues 508-528): FDADKVVDKI[Asp518Gly]VCPENAEVTL